The following is an entry in ClinVar:

NM_000051.4(ATM):c.8136_8142del (p.Arg2712fs)

Genes: ATM (ATM serine/threonine kinase; plus strand), C11orf65 (chromosome 11 open reading frame 65; minus strand). Cytogenetic location: 11q22.3.
Variant type: Deletion.
Coding change: c.8136_8142del on transcript NM_000051.4 (MANE Select); coding-DNA positions 8136 to 8142, 7 bases deleted (GAGACAG; older notation c.8136_8142delGAGACAG).
Protein change: p.Arg2712fs; shifts the reading frame from arginine 2712.
Molecular consequence: frameshift variant. On other transcripts: intron variant (2).
Genome position (GRCh38, 1-based): chr11:108,335,094-108,335,100, GAGACAG deleted; deleting any 7 consecutive bases within chr11:108,335,092-108,335,100 gives the same sequence; the c. name uses the placement nearest the transcript's 3' end. VCF-style (leftmost placement, unchanged base first): chr11-108335091-GAGGAGAC-G. GRCh37 (hg19) VCF-style: chr11-108205818-GAGGAGAC-G.
Other names: c.8136_8142del, p.Arg2712fs (NM_001351834.2); c.641-26027_641-26021del (NM_001330368.2); c.*38+122_*38+128del (NM_001351110.2); short protein forms R2712fs.
Identifiers: ClinVar variation 2679776 (VCV002679776.4), dbSNP rs2547331436, ClinGen allele CA2695198997.
Genomic context (GRCh38, chr11:108,335,091, plus strand): 5'-CTTAGCAGGAGGTGTAAATTTACCAAAAATAATAGATTGTGTAGGTTCCGATGGCAAGGA[GAGGAGAC>G]AGCTTGTTAAGGTGAGCCTTCCCTTCTCTGGCTTAGCCCTTAGAGTTTTAGTGATGAAAA-3'

ClinVar aggregate classification (germline): Pathogenic/Likely pathogenic. Review status: criteria provided, multiple submitters, no conflicts (2 of 4 stars). 2 submissions from 2 submitters: Pathogenic (1); Likely pathogenic (1). Last evaluated 2023-03-26.

Conditions:
Ataxia-telangiectasia syndrome (AT). Also called: LOUIS-BAR SYNDROME; Cerebello-oculocutaneous telangiectasia; Immunodeficiency with ataxia telangiectasia; Ataxia-telangiectasia, complementation group E; Ataxia-telangiectasia, complementation group D; AT, COMPLEMENTATION GROUP C. Identifiers: Orphanet 100, MedGen C0004135, MONDO:0008840, OMIM 208900.
Familial cancer of breast. Also called: BREAST CANCER, FAMILIAL; Hereditary breast cancer; hereditary breast carcinoma. Identifiers: Orphanet 227535, MedGen C0346153, MONDO:0016419, OMIM 114480. Disease mechanism: loss of function.

Submissions (2):

Labcorp Genetics (formerly Invitae), Labcorp
Classification: Pathogenic for Ataxia-telangiectasia syndrome. Last evaluated: 2023-03-26. Review status: criteria provided, single submitter. Criteria: Invitae Variant Classification Sherloc (09022015). Collection method: clinical testing. Allele origin: germline.
Comment: This sequence change creates a premature translational stop signal (p.Arg2712Serfs*9) in the ATM gene. It is expected to result in an absent or disrupted protein product. Loss-of-function variants in ATM are known to be pathogenic (PMID: 23807571, 25614872). This variant is not present in population databases (gnomAD no frequency). This variant has not been reported in the literature in individuals affected with ATM-related conditions. For these reasons, this variant has been classified as Pathogenic.

Baylor Genetics
Classification: Likely pathogenic for Familial cancer of breast. Last evaluated: 2022-01-19. Review status: criteria provided, single submitter. Criteria: ACMG Guidelines, 2015. Collection method: clinical testing. Allele origin: unknown.

Literature cited by the submitters: PubMed 23807571 (cited by Labcorp Genetics (formerly Invitae), Labcorp); PubMed 25614872 (cited by Labcorp Genetics (formerly Invitae), Labcorp).